The following is an entry in ClinVar:

ClinVar aggregate classification (germline): Uncertain significance (1 of 4 stars; one submission).

Submission:

Labcorp Genetics (formerly Invitae), Labcorp
Classification: Uncertain significance. Last evaluated: 2023-04-30. Review status: criteria provided, single submitter. Criteria: Invitae Variant Classification Sherloc (09022015). Collection method: clinical testing. Allele origin: germline.
Comment: This sequence change replaces lysine, which is basic and polar, with arginine, which is basic and polar, at codon 972 of the CFH protein (p.Lys972Arg). This variant is not present in population databases (gnomAD no frequency). This variant has not been reported in the literature in individuals affected with CFH-related conditions. Algorithms developed to predict the effect of missense changes on protein structure and function output the following: SIFT: "Not Available"; PolyPhen-2: "Benign"; Align-GVGD: "Not Available". The arginine amino acid residue is found in multiple mammalian species, which suggests that this missense change does not adversely affect protein function. In summary, the available evidence is currently insufficient to determine the role of this variant in disease. Therefore, it has been classified as a Variant of Uncertain Significance.

NM_000186.4(CFH):c.2915A>G (p.Lys972Arg)

Gene: CFH (complement factor H; plus strand). Cytogenetic location: 1q31.3.
Variant type: single nucleotide variant.
Coding change: c.2915A>G on transcript NM_000186.4 (MANE Select); coding-DNA position 2915, A replaced by G.
Protein change: p.Lys972Arg; replaces lysine 972 with arginine.
Molecular consequence: missense variant.
Genome position (GRCh38, 1-based): chr1:196,740,751, A>G. VCF-style: chr1-196740751-A-G. GRCh37 (hg19) VCF-style: chr1-196709881-A-G.
Other names: short protein forms K972R.
Identifiers: ClinVar variation 2860948 (VCV002860948.3), dbSNP rs2529541748, ClinGen allele CA343981211.